The following is an entry in ClinVar:

NM_000733.4(CD3E):c.*410A>G

Gene: CD3E (CD3 epsilon subunit of T-cell receptor complex; plus strand). Cytogenetic location: 11q23.3.
Variant type: single nucleotide variant.
Coding change: c.*410A>G on transcript NM_000733.4 (MANE Select); 410 bases downstream of the stop codon, A replaced by G.
Molecular consequence: 3 prime UTR variant.
Genome position (GRCh38, 1-based): chr11:118,315,952, A>G. VCF-style: chr11-118315952-A-G. GRCh37 (hg19) VCF-style: chr11-118186667-A-G.
Identifiers: ClinVar variation 879464 (VCV000879464.4), dbSNP rs201143285, ClinGen allele CA229504597.

ClinVar aggregate classification (germline): Likely benign (1 of 4 stars; one submission).

Conditions:
Immunodeficiency 18 (IMD18). Also called: CD3-EPSILON DEFICIENCY; CD3epsilon deficiency. Identifiers: MedGen C3810127, MONDO:0014278, OMIM 615615.

Allele frequency attached by ClinVar (database versions not stated): gnomAD below 0.00001 and 0.00025; TOPMed 0.00003; gnomAD exomes 0.00116; 1000 Genomes Project 0.00160; 1000 Genomes Project 30x 0.00187.
gnomAD v4.1: 215 of 309,938 alleles (0.069%); highest among the groups gnomAD compares: South Asian, 0.64%; 2 homozygotes.

Submission:

Illumina Laboratory Services, Illumina
Classification: Likely benign for Immunodeficiency 18. Last evaluated: 2018-01-13. Review status: criteria provided, single submitter. Criteria: ICSL Variant Classification Criteria 13 December 2019. Collection method: clinical testing. Allele origin: germline.
Comment: This variant was observed in the ICSL laboratory as part of a predisposition screen in an ostensibly healthy population. It had not been previously curated by ICSL or reported in the Human Gene Mutation Database (HGMD: prior to June 1st, 2018), and was therefore a candidate for classification through an automated scoring system. Utilizing variant allele frequency, disease prevalence and penetrance estimates, and inheritance mode, an automated score was calculated to assess if this variant is too frequent to cause the disease. Based on the score and internal cut-off values, a variant classified as likely benign is not then subjected to further curation. The score for this variant resulted in a classification of likely benign for this disease.